The following is an entry in ClinVar:

NM_000059.4(BRCA2):c.386A>T (p.Asp129Val)

Gene: BRCA2 (BRCA2 DNA repair associated; plus strand). Cytogenetic location: 13q13.1.
Variant type: single nucleotide variant.
Coding change: c.386A>T on transcript NM_000059.4 (MANE Select); coding-DNA position 386, A replaced by T.
Protein change: p.Asp129Val; replaces aspartic acid 129 with valine.
Molecular consequence: missense variant.
Genome position (GRCh38, 1-based): chr13:32,325,145, A>T. VCF-style: chr13-32325145-A-T. GRCh37 (hg19) VCF-style: chr13-32899282-A-T.
Other names: c.386A>T, p.Asp129Val (NM_001406719.1, NM_001406720.1, NM_001406721.1); c.17A>T, p.Asp6Val (NM_001406722.1); short protein forms D6V, D129V.
Identifiers: ClinVar variation 1735668 (VCV001735668.8), dbSNP rs2137446674, ClinGen allele CA387756667.
Genomic context (GRCh38, chr13:32,325,145, plus strand): 5'-TTCCCAATAGTAGACATAAAAGTCTTCGCACAGTGAAAACTAAAATGGATCAAGCAGATG[A>T]TGTTTCCTGTCCACTTCTAAATTCTTGTCTTAGTGAAAGGTATGATGAAGCTATTATATT-3'
Protein context (NP_000050.3, residues 119-139): TVKTKMDQAD[Asp129Val]VSCPLLNSCL

ClinVar aggregate classification (germline): Uncertain significance. Review status: criteria provided, multiple submitters, no conflicts (2 of 4 stars). 2 submissions from 2 submitters: Uncertain significance (2). Last evaluated 2025-09-10.

Conditions:
Hereditary cancer-predisposing syndrome. Also called: Neoplastic Syndromes, Hereditary; Tumor predisposition; Hereditary Cancer Syndrome; Hereditary neoplastic syndrome. Identifiers: Orphanet 140162, MedGen C0027672, MeSH D009386, MONDO:0015356.
Hereditary breast ovarian cancer syndrome. Also called: Hereditary breast and ovarian cancer syndrome; Breast and ovarian cancer; Hereditary breast and/or ovarian cancer syndrome; Hereditary breast and ovarian cancer; BRCA1- and BRCA2-Associated Hereditary Breast and Ovarian Cancer; Hereditary breast and ovarian cancer syndrome (HBOC). Identifiers: Orphanet 145, MedGen C0677776, MeSH D061325, MONDO:0003582. Disease mechanism: loss of function.

Submissions (2):

Labcorp Genetics (formerly Invitae), Labcorp
Classification: Uncertain significance for Hereditary breast ovarian cancer syndrome. Last evaluated: 2025-09-10. Review status: criteria provided, single submitter. Criteria: Invitae Variant Classification Sherloc (09022015). Collection method: clinical testing. Allele origin: germline.
Comment: This sequence change replaces aspartic acid, which is acidic and polar, with valine, which is neutral and non-polar, at codon 129 of the BRCA2 protein (p.Asp129Val). This variant is not present in population databases (gnomAD no frequency). This variant has not been reported in the literature in individuals affected with BRCA2-related conditions. ClinVar contains an entry for this variant (Variation ID: 1735668). Invitae Evidence Modeling of protein sequence and biophysical properties (such as structural, functional, and spatial information, amino acid conservation, physicochemical variation, residue mobility, and thermodynamic stability) indicates that this missense variant is not expected to disrupt BRCA2 protein function with a negative predictive value of 95%. In summary, the available evidence is currently insufficient to determine the role of this variant in disease. Therefore, it has been classified as a Variant of Uncertain Significance.

Ambry Genetics
Classification: Uncertain significance for Hereditary cancer-predisposing syndrome. Last evaluated: 2025-08-02. Review status: criteria provided, single submitter. Criteria: Ambry Variant Classification Scheme 2023. Collection method: clinical testing. Allele origin: germline.
Comment: The p.D129V variant (also known as c.386A>T), located in coding exon 3 of the BRCA2 gene, results from an A to T substitution at nucleotide position 386. The aspartic acid at codon 129 is replaced by valine, an amino acid with highly dissimilar properties. This amino acid position is well conserved in available vertebrate species. In addition, this alteration is predicted to be tolerated by in silico analysis. Since supporting evidence is limited at this time, the clinical significance of this alteration remains unclear.